The following is an entry in ClinVar:

ClinVar aggregate classification (germline): Uncertain significance (1 of 4 stars; one submission).

Conditions:
Familial thoracic aortic aneurysm and aortic dissection (TAAD). Also called: Thoracic aortic aneurysms and dissections. Identifiers: Orphanet 91387, MedGen C4707243, MONDO:0019625.

Allele frequency attached by ClinVar (database versions not stated): TOPMed below 0.00001; gnomAD 0.00001.
gnomAD v4.1: 1 of 1,614,042 alleles (0.000062%); highest among the groups gnomAD compares: African/African-American, 0.0013%; no homozygotes.

Submission:

Color Diagnostics, LLC DBA Color Health
Classification: Uncertain significance for Familial thoracic aortic aneurysm and aortic dissection. Last evaluated: 2024-03-06. Review status: criteria provided, single submitter. Criteria: ACMG Guidelines, 2015. Collection method: clinical testing. Allele origin: germline.
Comment: This missense variant replaces alanine with valine at codon 459 of the MYH11 protein. Computational prediction tool suggests that this variant may have deleterious impact on protein structure and function (internally defined REVEL score threshold >=0.7, PMID: 27666373). Splice site prediction tools suggest that this variant may not impact RNA splicing. To our knowledge, functional studies have not been performed for this variant. This variant has not been reported in individuals affected with cardiovascular disorders in the literature. This variant has not been identified in the general population by the Genome Aggregation Database (gnomAD). The available evidence is insufficient to determine the role of this variant in disease conclusively. Therefore, this variant is classified as a Variant of Uncertain Significance.

NM_002474.3(MYH11):c.1355C>T (p.Ala452Val)

Gene: MYH11 (myosin heavy chain 11; minus strand). Cytogenetic location: 16p13.11.
Variant type: single nucleotide variant.
Coding change: c.1355C>T on transcript NM_002474.3 (MANE Select); coding-DNA position 1355, C replaced by T.
Protein change: p.Ala452Val; replaces alanine 452 with valine.
Molecular consequence: missense variant.
Genome position (GRCh38, 1-based): chr16:15,759,622, G>A on the plus strand (C>T on the coding strand, the complement: MYH11 is on the minus strand). VCF-style: chr16-15759622-G-A. GRCh37 (hg19) VCF-style: chr16-15853479-G-A.
Other names: c.1376C>T, p.Ala459Val (NM_001040113.2, NM_001040114.2); c.1355C>T, p.Ala452Val (NM_022844.3); short protein forms A452V, A459V.
Identifiers: ClinVar variation 921538 (VCV000921538.4), dbSNP rs1291260053, ClinGen allele CA394872382.